The following is an entry in ClinVar:

NM_006876.3(B4GAT1):c.586G>T (p.Gly196Trp)

Gene: B4GAT1 (beta-1,4-glucuronyltransferase 1; minus strand). Cytogenetic location: 11q13.2.
Variant type: single nucleotide variant.
Coding change: c.586G>T on transcript NM_006876.3 (MANE Select); coding-DNA position 586, G replaced by T.
Protein change: p.Gly196Trp; replaces glycine 196 with tryptophan.
Molecular consequence: missense variant.
Genome position (GRCh38, 1-based): chr11:66,346,960, C>A on the plus strand (G>T on the coding strand, the complement: B4GAT1 is on the minus strand). VCF-style: chr11-66346960-C-A. GRCh37 (hg19) VCF-style: chr11-66114431-C-A.
Other names: c.586G>T (NM_006876.2); short protein forms G196W.
Identifiers: ClinVar variation 1446826 (VCV001446826.7), dbSNP rs560639654, ClinGen allele CA6120533.

ClinVar aggregate classification (germline): Uncertain significance. Review status: criteria provided, multiple submitters, no conflicts (2 of 4 stars). 2 submissions from 2 submitters: Uncertain significance (2). Last evaluated 2024-12-14.

Conditions:
Muscular dystrophy-dystroglycanopathy (congenital with brain and eye anomalies), type A13. Also called: WALKER-WARBURG SYNDROME OR MUSCLE-EYE-BRAIN DISEASE, B3GNT1-RELATED; Muscular dystrophy-dystroglycanopathy (congenital with brain and eye anomalies), type a, 13. Identifiers: Orphanet 899, MedGen C3809042, MONDO:0014120, OMIM 615287.
Inborn genetic diseases. Identifiers: MedGen C0950123, MeSH D030342.

Allele frequency attached by ClinVar (database versions not stated): gnomAD exomes below 0.00001; ExAC 0.00001; 1000 Genomes Project 0.00020; TOPMed 0.00003; 1000 Genomes Project 30x 0.00031; gnomAD 0.00001.

Submissions (2):

Ambry Genetics
Classification: Uncertain significance for Inborn genetic diseases. Last evaluated: 2024-12-14. Review status: criteria provided, single submitter. Criteria: Ambry Variant Classification Scheme 2023. Collection method: clinical testing. Allele origin: germline.

Labcorp Genetics (formerly Invitae), Labcorp
Classification: Uncertain significance for Muscular dystrophy-dystroglycanopathy (congenital with brain and eye anomalies), type A13. Last evaluated: 2022-07-12. Review status: criteria provided, single submitter. Criteria: Invitae Variant Classification Sherloc (09022015). Collection method: clinical testing. Allele origin: germline.
Comment: In summary, the available evidence is currently insufficient to determine the role of this variant in disease. Therefore, it has been classified as a Variant of Uncertain Significance. Algorithms developed to predict the effect of missense changes on protein structure and function (SIFT, PolyPhen-2, Align-GVGD) all suggest that this variant is likely to be tolerated. ClinVar contains an entry for this variant (Variation ID: 1446826). This variant has not been reported in the literature in individuals affected with B4GAT1-related conditions. This variant is present in population databases (rs560639654, gnomAD 0.007%). This sequence change replaces glycine, which is neutral and non-polar, with tryptophan, which is neutral and slightly polar, at codon 196 of the B4GAT1 protein (p.Gly196Trp).